The following is an entry in ClinVar:

ClinVar aggregate classification (germline): Uncertain significance (1 of 4 stars; one submission).

Submission:

Labcorp Genetics (formerly Invitae), Labcorp
Classification: Uncertain significance. Last evaluated: 2024-10-06. Review status: criteria provided, single submitter. Criteria: Invitae Variant Classification Sherloc (09022015). Collection method: clinical testing. Allele origin: germline.
Comment: This sequence change replaces glutamic acid, which is acidic and polar, with glycine, which is neutral and non-polar, at codon 1200 of the ASPM protein (p.Glu1200Gly). This variant is not present in population databases (gnomAD no frequency). This variant has not been reported in the literature in individuals affected with ASPM-related conditions. An algorithm developed to predict the effect of missense changes on protein structure and function outputs the following: PolyPhen-2: "Benign". The glycine amino acid residue is found in multiple mammalian species, which suggests that this missense change does not adversely affect protein function. In summary, the available evidence is currently insufficient to determine the role of this variant in disease. Therefore, it has been classified as a Variant of Uncertain Significance.

NM_018136.5(ASPM):c.3599A>G (p.Glu1200Gly)

Gene: ASPM (assembly factor for spindle microtubules; minus strand). Cytogenetic location: 1q31.3.
Variant type: single nucleotide variant.
Coding change: c.3599A>G on transcript NM_018136.5 (MANE Select); coding-DNA position 3599, A replaced by G.
Protein change: p.Glu1200Gly; replaces glutamic acid 1200 with glycine.
Molecular consequence: missense variant.
Genome position (GRCh38, 1-based): chr1:197,122,301, T>C on the plus strand (A>G on the coding strand, the complement: ASPM is on the minus strand). VCF-style: chr1-197122301-T-C. GRCh37 (hg19) VCF-style: chr1-197091431-T-C.
Other names: c.3599A>G, p.Glu1200Gly (NM_001206846.2); short protein forms E1200G.
Identifiers: ClinVar variation 3721919 (VCV003721919.2).